The following is an entry in ClinVar:

NM_006231.4(POLE):c.4045G>A (p.Ala1349Thr)

Gene: POLE (DNA polymerase epsilon, catalytic subunit; minus strand). Cytogenetic location: 12q24.33.
Variant type: single nucleotide variant.
Coding change: c.4045G>A on transcript NM_006231.4 (MANE Select); coding-DNA position 4045, G replaced by A.
Protein change: p.Ala1349Thr; replaces alanine 1349 with threonine.
Molecular consequence: missense variant.
Genome position (GRCh38, 1-based): chr12:132,649,033, C>T on the plus strand (G>A on the coding strand, the complement: POLE is on the minus strand). VCF-style: chr12-132649033-C-T. GRCh37 (hg19) VCF-style: chr12-133225619-C-T.
Other names: short protein forms A1349T.
Identifiers: ClinVar variation 2496849 (VCV002496849.2), dbSNP rs1555223876, ClinGen allele CA387383913.
Genomic context (GRCh38, chr12:132,649,033, plus strand): 5'-TCACGTAGAACACACGGGGGATGCTCAGCCTGATGCAGTGCAAGTCACTGCCAACGAGCG[C>T]CCACAGCCTGAACAGGCCGGCCTGGCTGGTCTCGCTGATCTGAAAGGCCACACGGACATA-3'
Protein context (NP_006222.2, residues 1339-1359): TSQAGLFRLW[Ala1349Thr]LVGSDLHCIR

ClinVar aggregate classification (germline): Uncertain significance (1 of 4 stars; one submission).

Conditions:
Hereditary cancer-predisposing syndrome. Also called: Neoplastic Syndromes, Hereditary; Hereditary neoplastic syndrome; Tumor predisposition; Hereditary Cancer Syndrome. Identifiers: Orphanet 140162, MedGen C0027672, MeSH D009386, MONDO:0015356.

Submission:

Ambry Genetics
Classification: Uncertain significance for Hereditary cancer-predisposing syndrome. Last evaluated: 2023-01-12. Review status: criteria provided, single submitter. Criteria: Ambry Variant Classification Scheme 2023. Collection method: clinical testing. Allele origin: germline.
Comment: The p.A1349T variant (also known as c.4045G>A), located in coding exon 32 of the POLE gene, results from a G to A substitution at nucleotide position 4045. The alanine at codon 1349 is replaced by threonine, an amino acid with similar properties. This amino acid position is conserved. In addition, this alteration is predicted to be tolerated by in silico analysis. Since supporting evidence is limited at this time, the clinical significance of this alteration remains unclear.